The following is an entry in ClinVar:

NM_017780.4(CHD7):c.1653G>A (p.Val551=)

Gene: CHD7 (chromodomain helicase DNA binding protein 7; plus strand). Cytogenetic location: 8q12.2.
Variant type: single nucleotide variant.
Coding change: c.1653G>A on transcript NM_017780.4 (MANE Select); coding-DNA position 1653, G replaced by A.
Protein change: p.Val551=; no amino-acid change (valine 551 retained).
Molecular consequence: synonymous variant.
Genome position (GRCh38, 1-based): chr8:60,743,085, G>A. VCF-style: chr8-60743085-G-A. GRCh37 (hg19) VCF-style: chr8-61655644-G-A.
Other names: c.1653G>A, p.Val551= (NM_001316690.1); c.1653G>A (NM_017780.3).
Identifiers: ClinVar variation 2893535 (VCV002893535.4), dbSNP rs778672061, ClinGen allele CA4759526.

ClinVar aggregate classification (germline): Likely benign. Review status: criteria provided, multiple submitters, no conflicts (2 of 4 stars). 2 submissions from 2 submitters: Likely benign (2). Last evaluated 2026-05-11.

Conditions:
CHD7-related disorder. Also called: CHD7-related condition.
CHARGE syndrome (CHARGE). Also called: Hittner Hirsch Kreh syndrome; CHARGE ASSOCIATION--COLOBOMA, HEART ANOMALY, CHOANAL ATRESIA, RETARDATION, GENITAL AND EAR ANOMALIES; Coloboma, heart anomaly, choanal atresia, retardation, genital and ear anomalies; CHARGE association; Hall-Hittner syndrome. Identifiers: Orphanet 138, MedGen C0265354, MONDO:0008965.

Allele frequency attached by ClinVar (database versions not stated): gnomAD exomes below 0.00001; ExAC 0.00001; TOPMed 0.00001.
gnomAD v4.1: 5 of 1,613,434 alleles (0.00031%); highest among the groups gnomAD compares: Non-Finnish European, 0.00042%; no homozygotes.

Submissions (2):

PreventionGenetics, part of Exact Sciences
Classification: Likely benign for CHD7-related condition. Last evaluated: 2026-05-11. Review status: criteria provided, single submitter. Criteria: ACMG Guidelines, 2015. Collection method: clinical testing. Allele origin: germline.
Comment: This variant is classified as likely benign based on ACMG/AMP sequence variant interpretation guidelines (Richards et al. 2015 PMID: 25741868, with internal and published modifications).

Labcorp Genetics (formerly Invitae), Labcorp
Classification: Likely benign for CHARGE syndrome. Last evaluated: 2023-05-15. Review status: criteria provided, single submitter. Criteria: Invitae Variant Classification Sherloc (09022015). Collection method: clinical testing. Allele origin: germline.